The following is an entry in ClinVar:

ClinVar aggregate classification (germline): Uncertain significance (1 of 4 stars; one submission).

Conditions:
Familial renal glucosuria (GLYS). Also called: RENAL GLUCOSURIA, AUTOSOMAL DOMINANT; Familial renal glycosuria. Identifiers: Orphanet 69076, MedGen C3245525, MONDO:0009297, OMIM 233100.

Submission:

Johns Hopkins Genomics, Johns Hopkins University
Classification: Uncertain significance for Familial renal glucosuria. Last evaluated: 2025-08-25. Review status: criteria provided, single submitter. Criteria: ACMG Guidelines, 2015. Collection method: clinical testing. Allele origin: germline.
Comment: This SLITRK2 variant is absent from a large population dataset and has not been reported in ClinVar nor the literature, to our knowledge. Three bioinformatics tools queried disagree as to whether this substitution would be damaging (SIFT: 0.13; PP2HumVar: 0.467; REVEL: 0.101). The asparagine residue at this position is strongly evolutionarily conserved across the vertebrate species assessed. This missense change results in polar to non-polar amino acid substitution in disordered region of protein with polar compositional bias. Bioinformatic analysis predicts that this missense variant would not affect normal exon 1 splicing, although this has not been confirmed experimentally to our knowledge. Due to insufficient evidence, we consider the clinical significance of c.869A>T to be uncertain at this time.

Literature cited by the submitters: PubMed 35840571.

NM_032539.5(SLITRK2):c.869A>T (p.Asn290Ile)

Gene: SLITRK2 (SLIT and NTRK like family member 2; plus strand). Cytogenetic location: Xq27.3.
Variant type: single nucleotide variant.
Coding change: c.869A>T on transcript NM_032539.5 (MANE Select); coding-DNA position 869, A replaced by T.
Protein change: p.Asn290Ile; replaces asparagine 290 with isoleucine.
Molecular consequence: missense variant.
Genome position (GRCh38, 1-based): chrX:145,823,294, A>T. VCF-style: chrX-145823294-A-T. GRCh37 (hg19) VCF-style: chrX-144904812-A-T.
Other names: c.869A>T, p.Asn290Ile (NM_001144003.3, NM_001144004.3, NM_001144005.3 and 4 more transcripts); short protein forms N290I.
Identifiers: ClinVar variation 4280101 (VCV004280101.1).